The following is an entry in ClinVar:

ClinVar aggregate classification (germline): Uncertain significance (1 of 4 stars; one submission).

Conditions:
Intellectual disability, autosomal dominant 14 (CSS2). Also called: COFFIN-SIRIS SYNDROME 2. Identifiers: Orphanet 1465, MedGen C3553247, MONDO:0013819, OMIM 614607.

gnomAD v4.1: 2 of 1,321,440 alleles (0.00015%); highest among the groups gnomAD compares: African/African-American, 0.0015%; no homozygotes.

Submission:

New York Genome Center
Classification: Uncertain significance for Intellectual disability, autosomal dominant 14. Last evaluated: 2020-11-04. Review status: criteria provided, single submitter. Criteria: NYGC Assertion Criteria 2020. Collection method: clinical testing. Allele origin: germline. Observed: 1 heterozygote. Study: CSER-NYCKidSeq.
Comment: The c.269G>C (p.Ser90Thr) variant identified in the ARID1A gene substitutes a Serine for Threonine at amino acid 90/2286 (exon 1/20). This residue is not very well conserved. This variant is absent from gnomAD(v3.0) suggesting it is not a common benign variant in the populations represented in that database. In silico algorithms do not agree on the effect of this variant, as it is predicted Damaging (SIFT; score:0.024) and Benign (REVEL; score:0.05) to the function of the canonical transcript. This variant is absent from ClinVar, and to our current knowledge has not been reported in affected individuals in the literature. The p.Ser90 residue is not within a mapped domain of ARID1A (UniProtKB:O14497). Given the lack of compelling evidence for pathogenicity, the c.269G>C (p.Ser90Thr) variant identified in the ARID1A gene is reported as a Variant of Uncertain Significance.

NM_006015.6(ARID1A):c.269G>C (p.Ser90Thr)

Gene: ARID1A (AT-rich interaction domain 1A; plus strand). Cytogenetic location: 1p36.11.
Variant type: single nucleotide variant.
Coding change: c.269G>C on transcript NM_006015.6 (MANE Select); coding-DNA position 269, G replaced by C.
Protein change: p.Ser90Thr; replaces serine 90 with threonine.
Molecular consequence: missense variant.
Genome position (GRCh38, 1-based): chr1:26,696,672, G>C. VCF-style: chr1-26696672-G-C. GRCh37 (hg19) VCF-style: chr1-27023163-G-C.
Other names: c.269G>C, p.Ser90Thr (NM_139135.4); short protein forms S90T.
Identifiers: ClinVar variation 1213731 (VCV001213731.1), dbSNP rs2124741075, ClinGen allele CA339264760.